The following is an entry in ClinVar:

NM_144666.3(DNHD1):c.4744C>T (p.Arg1582Trp)

Gene: DNHD1 (dynein heavy chain domain 1; plus strand). Cytogenetic location: 11p15.4.
Variant type: single nucleotide variant.
Coding change: c.4744C>T on transcript NM_144666.3 (MANE Select); coding-DNA position 4744, C replaced by T.
Protein change: p.Arg1582Trp; replaces arginine 1582 with tryptophan.
Molecular consequence: missense variant.
Genome position (GRCh38, 1-based): chr11:6,545,683, C>T. VCF-style: chr11-6545683-C-T. GRCh37 (hg19) VCF-style: chr11-6566913-C-T.
Other names: short protein forms R1582W.
Identifiers: ClinVar variation 3342713 (VCV003342713.2).

ClinVar aggregate classification (germline): Uncertain significance. Review status: criteria provided, multiple submitters, no conflicts (2 of 4 stars). 2 submissions from 2 submitters: Uncertain significance (2). Last evaluated 2025-08-26.

gnomAD v4.1: 347 of 1,551,690 alleles (0.022%); highest among the groups gnomAD compares: African/African-American, 0.43%; 2 homozygotes.

Submissions (2):

Ambry Genetics
Classification: Uncertain significance. Last evaluated: 2025-08-26. Review status: criteria provided, single submitter. Criteria: Ambry Variant Classification Scheme 2023. Collection method: clinical testing. Allele origin: germline.

GeneDx
Classification: Uncertain significance. Last evaluated: 2022-11-28. Review status: criteria provided, single submitter. Criteria: GeneDx Variant Classification Process June 2021. Collection method: clinical testing. Allele origin: germline. Affected: yes.
Comment: In silico analysis supports that this missense variant has a deleterious effect on protein structure/function; Has not been previously published as pathogenic or benign to our knowledge; Variants in candidate genes are classified as variants of uncertain significance in accordance with ACMG guidelines (Richards et al., 2015)